The following is an entry in ClinVar:

NM_001282531.3(ADNP):c.355A>G (p.Lys119Glu)

Gene: ADNP (activity dependent neuroprotector homeobox; minus strand). Cytogenetic location: 20q13.13.
Variant type: single nucleotide variant.
Coding change: c.355A>G on transcript NM_001282531.3 (MANE Select); coding-DNA position 355, A replaced by G.
Protein change: p.Lys119Glu; replaces lysine 119 with glutamic acid.
Molecular consequence: missense variant.
Genome position (GRCh38, 1-based): chr20:50,894,359, T>C on the plus strand (A>G on the coding strand, the complement: ADNP is on the minus strand). VCF-style: chr20-50894359-T-C. GRCh37 (hg19) VCF-style: chr20-49510896-T-C.
Other names: c.355A>G, p.Lys119Glu (NM_001282532.2, NM_001347511.2, NM_015339.5 and 1 more transcripts); short protein forms K119E.
Identifiers: ClinVar variation 2582109 (VCV002582109.1), dbSNP rs2122764432, ClinGen allele CA408978331.

ClinVar aggregate classification (germline): Uncertain significance (1 of 4 stars; one submission).

Submission:

GeneDx
Classification: Uncertain significance. Last evaluated: 2023-03-24. Review status: criteria provided, single submitter. Criteria: GeneDx Variant Classification Process June 2021. Collection method: clinical testing. Allele origin: germline. Affected: yes.
Comment: Not observed at significant frequency in large population cohorts (gnomAD); In silico analysis supports that this missense variant has a deleterious effect on protein structure/function; Has not been previously published as pathogenic or benign to our knowledge